The following is an entry in ClinVar:

NM_000704.3(ATP4A):c.2242G>A (p.Ala748Thr)

Gene: ATP4A (ATPase H+/K+ transporting subunit alpha; minus strand). Cytogenetic location: 19q13.12.
Variant type: single nucleotide variant.
Coding change: c.2242G>A on transcript NM_000704.3 (MANE Select); coding-DNA position 2242, G replaced by A.
Protein change: p.Ala748Thr; replaces alanine 748 with threonine.
Molecular consequence: missense variant.
Genome position (GRCh38, 1-based): chr19:35,555,250, C>T on the plus strand (G>A on the coding strand, the complement: ATP4A is on the minus strand). VCF-style: chr19-35555250-C-T. GRCh37 (hg19) VCF-style: chr19-36046152-C-T.
Other names: short protein forms A748T.
Identifiers: ClinVar variation 1906263 (VCV001906263.5), dbSNP rs1382227785, ClinGen allele CA405376873.

ClinVar aggregate classification (germline): Uncertain significance (1 of 4 stars; one submission).

Allele frequency attached by ClinVar (database versions not stated): gnomAD 0.00002; TOPMed 0.00002.

Submission:

Labcorp Genetics (formerly Invitae), Labcorp
Classification: Uncertain significance. Last evaluated: 2022-01-07. Review status: criteria provided, single submitter. Criteria: Invitae Variant Classification Sherloc (09022015). Collection method: clinical testing. Allele origin: germline.
Comment: In summary, the available evidence is currently insufficient to determine the role of this variant in disease. Therefore, it has been classified as a Variant of Uncertain Significance. Algorithms developed to predict the effect of missense changes on protein structure and function are either unavailable or do not agree on the potential impact of this missense change (SIFT: "Deleterious"; PolyPhen-2: "Possibly Damaging"; Align-GVGD: "Class C0"). This variant has not been reported in the literature in individuals affected with ATP4A-related conditions. This variant is present in population databases (no rsID available, gnomAD 0.007%). This sequence change replaces alanine, which is neutral and non-polar, with threonine, which is neutral and polar, at codon 748 of the ATP4A protein (p.Ala748Thr).